The following is an entry in ClinVar:

ClinVar aggregate classification (germline): Conflicting classifications of pathogenicity. Review status: criteria provided, conflicting classifications (1 of 4 stars). 3 submissions from 3 submitters: Pathogenic (1); Likely pathogenic (1); Uncertain significance (1). Last evaluated 2026-03-02.

Conditions:
Cardiovascular phenotype. Identifiers: MedGen CN230736.
Hereditary hemorrhagic telangiectasia (HHT). Also called: ORW DISEASE; Osler Weber Rendu syndrome; OSLER-RENDU-WEBER DISEASE; Osler hemorrhagic telangiectasia syndrome. Identifiers: Orphanet 774, MedGen C0039445, MONDO:0019180. Disease mechanism: loss of function.

Submissions (3):

Ambry Genetics
Classification: Likely pathogenic for Cardiovascular phenotype. Last evaluated: 2026-03-02. Review status: criteria provided, single submitter. Criteria: Ambry Variant Classification Scheme 2023. Collection method: clinical testing. Allele origin: germline.
Comment: The p.G255V variant (also known as c.764G>T), located in coding exon 6 of the ENG gene, results from a G to T substitution at nucleotide position 764. The glycine at codon 255 is replaced by valine, an amino acid with dissimilar properties. This variant was reported in individual(s) with features consistent with ENG-related hereditary hemorrhagic telangiectasia (Ambry internal data; external communication). Based on internal structural analysis, this variant is anticipated to result in a significant decrease in structural stability (Nolan-Stevaux O. PLoS One. 2012 Dec;7(12):e50920; Saito T. Cell Rep. 2017 May;19(9):1917-1928). This amino acid position is well conserved in available vertebrate species. In addition, this alteration is predicted to be tolerated by in silico analysis. This variant is considered to be rare based on population cohorts in the Genome Aggregation Database (gnomAD). Based on the majority of available evidence to date, this variant is likely to be pathogenic.

Labcorp Genetics (formerly Invitae), Labcorp
Classification: Pathogenic for Hereditary hemorrhagic telangiectasia. Last evaluated: 2025-12-22. Review status: criteria provided, single submitter. Criteria: Invitae Variant Classification Sherloc (09022015). Collection method: clinical testing. Allele origin: germline.
Comment: This sequence change replaces glycine, which is neutral and non-polar, with valine, which is neutral and non-polar, at codon 255 of the ENG protein (p.Gly255Val). This variant is not present in population databases (gnomAD no frequency). This missense change has been observed in individuals with clinical features of hereditary hemorrhagic telangiectasia (internal data). ClinVar contains an entry for this variant (Variation ID: 1218535). Invitae Evidence Modeling of protein sequence and biophysical properties (such as structural, functional, and spatial information, amino acid conservation, physicochemical variation, residue mobility, and thermodynamic stability) has been performed for this missense variant. However, the output from this modeling did not meet the statistical confidence thresholds required to predict the impact of this variant on ENG protein function. This variant disrupts the p.Gly255 amino acid residue in ENG. Other variant(s) that disrupt this residue have been determined to be pathogenic (internal data). This suggests that this residue is clinically significant, and that variants that disrupt this residue are likely to be disease-causing. For these reasons, this variant has been classified as Pathogenic.

GeneDx
Classification: Uncertain significance. Last evaluated: 2024-02-16. Review status: criteria provided, single submitter. Criteria: GeneDx Variant Classification Process June 2021. Collection method: clinical testing. Allele origin: germline. Affected: yes.
Comment: Has not been previously published as pathogenic or benign to our knowledge; Not observed at significant frequency in large population cohorts (gnomAD); In silico analysis supports that this missense variant has a deleterious effect on protein structure/function

Literature cited by the submitters: PubMed 23300529 (cited by Ambry Genetics); PubMed 28564608 (cited by Ambry Genetics).

NM_001114753.3(ENG):c.764G>T (p.Gly255Val)

Gene: ENG (endoglin; minus strand). Cytogenetic location: 9q34.11.
Variant type: single nucleotide variant.
Coding change: c.764G>T on transcript NM_001114753.3 (MANE Select); coding-DNA position 764, G replaced by T.
Protein change: p.Gly255Val; replaces glycine 255 with valine.
Molecular consequence: missense variant.
Genome position (GRCh38, 1-based): chr9:127,825,283, C>A on the plus strand (G>T on the coding strand, the complement: ENG is on the minus strand). VCF-style: chr9-127825283-C-A. GRCh37 (hg19) VCF-style: chr9-130587562-C-A.
Other names: c.764G>T, p.Gly255Val (NM_000118.4, NM_001406715.1); c.218G>T, p.Gly73Val (NM_001278138.2); short protein forms G255V, G73V.
Identifiers: ClinVar variation 1218535 (VCV001218535.15), dbSNP rs2131887828, ClinGen allele CA374983293.